The following is an entry in ClinVar:

ClinVar aggregate classification (germline): Uncertain significance. Review status: criteria provided, multiple submitters, no conflicts (2 of 4 stars). 3 submissions from 3 submitters: Uncertain significance (3). Last evaluated 2026-01-01.

Conditions:
Cardiovascular phenotype. Identifiers: MedGen CN230736.
Dilated cardiomyopathy 1II (CMD1II). Identifiers: Orphanet 154, MedGen C3554649, MONDO:0014073, OMIM 615184.

Allele frequency attached by ClinVar (database versions not stated): ExAC 0.00001; gnomAD 0.00001 and 0.00002; gnomAD exomes 0.00001; TOPMed 0.00001.
gnomAD v4.1: 9 of 1,612,922 alleles (0.00056%); highest among the groups gnomAD compares: East Asian, 0.0045%; no homozygotes.

Submissions (3):

Labcorp Genetics (formerly Invitae), Labcorp
Classification: Uncertain significance for Dilated cardiomyopathy 1II. Last evaluated: 2026-01-01. Review status: criteria provided, single submitter. Criteria: Invitae Variant Classification Sherloc (09022015). Collection method: clinical testing. Allele origin: germline.
Comment: This sequence change replaces arginine, which is basic and polar, with glutamine, which is neutral and polar, at codon 50 of the CRYAB protein (p.Arg50Gln). This variant is present in population databases (rs781846534, gnomAD 0.005%). This variant has not been reported in the literature in individuals affected with CRYAB-related conditions. ClinVar contains an entry for this variant (Variation ID: 281506). An algorithm developed to predict the effect of missense changes on protein structure and function (PolyPhen-2) suggests that this variant is likely to be disruptive. In summary, the available evidence is currently insufficient to determine the role of this variant in disease. Therefore, it has been classified as a Variant of Uncertain Significance.

Ambry Genetics
Classification: Uncertain significance for Cardiovascular phenotype. Last evaluated: 2024-02-09. Review status: criteria provided, single submitter. Criteria: Ambry Variant Classification Scheme 2023. Collection method: clinical testing. Allele origin: germline.
Comment: The p.R50Q variant (also known as c.149G>A), located in coding exon 1 of the CRYAB gene, results from a G to A substitution at nucleotide position 149. The arginine at codon 50 is replaced by glutamine, an amino acid with highly similar properties. This amino acid position is not well conserved in available vertebrate species, and glutamine is the reference amino acid in other vertebrate species. In addition, the in silico prediction for this alteration is inconclusive. Since supporting evidence is limited at this time, the clinical significance of this alteration remains unclear.

Eurofins Ntd Llc (ga)
Classification: Uncertain significance. Last evaluated: 2015-06-23. Review status: criteria provided, single submitter. Criteria: EGL Classification Definitions 2015. Collection method: clinical testing. Allele origin: germline. Observed: 1 variant allele.

NM_001289808.2(CRYAB):c.149G>A (p.Arg50Gln)

Gene: CRYAB (crystallin alpha B; minus strand). Cytogenetic location: 11q23.1.
Variant type: single nucleotide variant.
Coding change: c.149G>A on transcript NM_001289808.2 (MANE Select); coding-DNA position 149, G replaced by A.
Protein change: p.Arg50Gln; replaces arginine 50 with glutamine.
Molecular consequence: missense variant.
Genome position (GRCh38, 1-based): chr11:111,911,576, C>T on the plus strand (G>A on the coding strand, the complement: CRYAB is on the minus strand). VCF-style: chr11-111911576-C-T. GRCh37 (hg19) VCF-style: chr11-111782300-C-T.
Other names: c.149G>A, p.Arg50Gln (NM_001289807.1, NM_001368245.1, NM_001885.3); short protein forms R50Q.
Identifiers: ClinVar variation 281506 (VCV000281506.14), dbSNP rs781846534, ClinGen allele CA6275563.